The following is an entry in ClinVar:

ClinVar aggregate classification (germline): Uncertain significance. Review status: criteria provided, multiple submitters, no conflicts (2 of 4 stars). 6 submissions from 4 submitters: Uncertain significance (6). Last evaluated 2025-08-21.

Conditions:
Inborn genetic diseases. Identifiers: MedGen C0950123, MeSH D030342.
Amyotrophic lateral sclerosis type 5 (ALS5). Also called: AMYOTROPHIC LATERAL SCLEROSIS 5, JUVENILE. Identifiers: Orphanet 300605, MedGen C1865864, MONDO:0011196, OMIM 602099.
Charcot-Marie-Tooth disease axonal type 2X. Also called: CHARCOT-MARIE-TOOTH DISEASE, AXONAL, AUTOSOMAL RECESSIVE, TYPE 2X; CHARCOT-MARIE-TOOTH NEUROPATHY, TYPE 2X. Identifiers: Orphanet 466775, MedGen C5569024, MONDO:0014726, OMIM 616668.
Hereditary spastic paraplegia 11. Also called: SPASTIC PARAPLEGIA, AUTOSOMAL RECESSIVE, COMPLICATED, WITH THIN CORPUS CALLOSUM; SPASTIC PARAPLEGIA, AUTOSOMAL RECESSIVE, WITH MENTAL IMPAIRMENT AND THIN CORPUS CALLOSUM; Spastic Paraplegia 11; Nakamura Osame syndrome; Autosomal recessive hereditary spastic paraplegia, mental impairment, and thin corpus callosum; Spastic paraplegia, mental retardation and thin corpus callosum. Identifiers: Orphanet 2822, MedGen C1858479, MONDO:0011445, OMIM 604360.

Allele frequency attached by ClinVar (database versions not stated): ExAC 0.00001; gnomAD exomes 0.00001; gnomAD 0.00003; TOPMed 0.00003; ESP Exome Variant Server 0.00008.
gnomAD v4.1: 11 of 1,614,040 alleles (0.00068%); highest among the groups gnomAD compares: African/African-American, 0.008%; no homozygotes.

Submissions (6):

Ambry Genetics
Classification: Uncertain significance for Inborn genetic diseases. Last evaluated: 2025-08-21. Review status: criteria provided, single submitter. Criteria: Ambry Variant Classification Scheme 2023. Collection method: clinical testing. Allele origin: germline.

Labcorp Genetics (formerly Invitae), Labcorp
Classification: Uncertain significance for Hereditary spastic paraplegia 11. Last evaluated: 2025-06-24. Review status: criteria provided, single submitter. Criteria: Invitae Variant Classification Sherloc (09022015). Collection method: clinical testing. Allele origin: germline.
Comment: This sequence change replaces arginine, which is basic and polar, with glycine, which is neutral and non-polar, at codon 2031 of the SPG11 protein (p.Arg2031Gly). This variant is present in population databases (rs147713329, gnomAD 0.004%). This variant has not been reported in the literature in individuals affected with SPG11-related conditions. ClinVar contains an entry for this variant (Variation ID: 220392). Invitae Evidence Modeling of protein sequence and biophysical properties (such as structural, functional, and spatial information, amino acid conservation, physicochemical variation, residue mobility, and thermodynamic stability) indicates that this missense variant is expected to disrupt SPG11 protein function with a positive predictive value of 80%. In summary, the available evidence is currently insufficient to determine the role of this variant in disease. Therefore, it has been classified as a Variant of Uncertain Significance.

CeGaT Center for Human Genetics Tuebingen
Classification: Uncertain significance. Last evaluated: 2019-03-01. Review status: criteria provided, single submitter. Criteria: CeGaT Center For Human Genetics Tuebingen Variant Classification Criteria Version 2. Collection method: clinical testing. Allele origin: germline. Affected: yes. Observed: 1 variant allele.

Genome-Nilou Lab
Classification: Uncertain significance for Amyotrophic lateral sclerosis type 5. Review status: criteria provided, single submitter. Criteria: ACMG Guidelines, 2015. Collection method: clinical testing. Allele origin: germline.

Genome-Nilou Lab
Classification: Uncertain significance for Charcot-Marie-Tooth disease axonal type 2X. Review status: criteria provided, single submitter. Criteria: ACMG Guidelines, 2015. Collection method: clinical testing. Allele origin: germline.

Genome-Nilou Lab
Classification: Uncertain significance for Hereditary spastic paraplegia 11. Review status: criteria provided, single submitter. Criteria: ACMG Guidelines, 2015. Collection method: clinical testing. Allele origin: germline.

NM_025137.4(SPG11):c.6091C>G (p.Arg2031Gly)

Gene: SPG11 (SPG11 vesicle trafficking associated, spatacsin; minus strand). Cytogenetic location: 15q21.1.
Variant type: single nucleotide variant.
Coding change: c.6091C>G on transcript NM_025137.4 (MANE Select); coding-DNA position 6091, C replaced by G.
Protein change: p.Arg2031Gly; replaces arginine 2031 with glycine.
Molecular consequence: missense variant. On other transcripts: intron variant (1).
Genome position (GRCh38, 1-based): chr15:44,573,661, G>C on the plus strand (C>G on the coding strand, the complement: SPG11 is on the minus strand). VCF-style: chr15-44573661-G-C. GRCh37 (hg19) VCF-style: chr15-44865859-G-C.
Other names: c.5867-841C>G (NM_001160227.2); short protein forms R2031G.
Identifiers: ClinVar variation 220392 (VCV000220392.52), dbSNP rs147713329, ClinGen allele CA349566.